The following is an entry in ClinVar:

NM_000051.4(ATM):c.1333del (p.Gln445fs)

Gene: ATM (ATM serine/threonine kinase; plus strand). Cytogenetic location: 11q22.3.
Variant type: Deletion.
Coding change: c.1333del on transcript NM_000051.4 (MANE Select); coding-DNA position 1333, one base deleted (C; older notation c.1333delC).
Protein change: p.Gln445fs; shifts the reading frame from glutamine 445.
Molecular consequence: frameshift variant.
Genome position (GRCh38, 1-based): chr11:108,250,798, C deleted; the last of 4 consecutive C bases (chr11:108,250,795-108,250,798); deleting any one gives the same sequence. VCF-style (leftmost placement, unchanged base first): chr11-108250794-AC-A. GRCh37 (hg19) VCF-style: chr11-108121521-AC-A.
Other names: c.1333delC (NM_000051.3); c.1333del, p.Gln445fs (NM_001351834.2); short protein forms Q445fs.
Identifiers: ClinVar variation 407721 (VCV000407721.16), dbSNP rs1060501701, ClinGen allele CA16613069.
Genomic context (GRCh38, chr11:108,250,794, plus strand): 5'-TCCTGCAAGTTTACCTAACTGTGAGCTGTCTCCATTACTGATGATACTATCTCAGCTTCT[AC>A]CCCAACAGCGACATGGGGAACGTACACCATATGTGTTACGATGCCTTACGGAAGTTGCAT-3'

ClinVar aggregate classification (germline): Pathogenic/Likely pathogenic. Review status: criteria provided, multiple submitters, no conflicts (2 of 4 stars). 6 submissions from 6 submitters: Pathogenic (5); Likely pathogenic (1). Last evaluated 2025-04-08.

Conditions:
Hereditary cancer-predisposing syndrome. Also called: Hereditary neoplastic syndrome; Neoplastic Syndromes, Hereditary; Tumor predisposition; Hereditary Cancer Syndrome. Identifiers: Orphanet 140162, MedGen C0027672, MeSH D009386, MONDO:0015356.
Familial cancer of breast. Also called: Hereditary breast cancer; hereditary breast carcinoma; BREAST CANCER, FAMILIAL. Identifiers: Orphanet 227535, MedGen C0346153, MONDO:0016419, OMIM 114480. Disease mechanism: loss of function.
Ataxia-telangiectasia syndrome (AT). Also called: Ataxia telangiectasia (A-T); LOUIS-BAR SYNDROME; Cerebello-oculocutaneous telangiectasia; Immunodeficiency with ataxia telangiectasia; Ataxia-telangiectasia, complementation group D; AT, COMPLEMENTATION GROUP C. Identifiers: Orphanet 100, MedGen C0004135, MONDO:0008840, OMIM 208900.

Submissions (6):

Quest Diagnostics Nichols Institute San Juan Capistrano
Classification: Pathogenic. Last evaluated: 2025-04-08. Review status: criteria provided, single submitter. Criteria: Quest Diagnostics criteria. Collection method: clinical testing. Allele origin: unknown.
Comment: The ATM c.1333del (p.Gln445Asnfs*28) variant alters the translational reading frame of the ATM mRNA and causes the premature termination of ATM protein synthesis. This variant has been reported in the published literature in an individual with pancreatic cancer (PMID: 29922827 (2018)). This variant has not been reported in large, multi-ethnic general populations (Genome Aggregation Database). Based on the available information, this variant is classified as pathogenic.

Ambry Genetics
Classification: Pathogenic for Hereditary cancer-predisposing syndrome. Last evaluated: 2025-02-13. Review status: criteria provided, single submitter. Criteria: Ambry Variant Classification Scheme 2023. Collection method: clinical testing. Allele origin: germline.
Comment: The c.1333delC pathogenic mutation, located in coding exon 9 of the ATM gene, results from a deletion of one nucleotide at nucleotide position 1333, causing a translational frameshift with a predicted alternate stop codon (p.Q445Nfs*28). One study detected this alteration in 1/3030 pancreatic cancer cases and 0/123136 population controls (Hu C et al. JAMA, 2018 06;319:2401-2409). This variant is considered to be rare based on population cohorts in the Genome Aggregation Database (gnomAD). In addition to the clinical data presented in the literature, this alteration is expected to result in loss of function by premature protein truncation or nonsense-mediated mRNA decay. As such, this alteration is interpreted as a disease-causing mutation.

Labcorp Genetics (formerly Invitae), Labcorp
Classification: Pathogenic for Ataxia-telangiectasia syndrome. Last evaluated: 2024-08-22. Review status: criteria provided, single submitter. Criteria: Invitae Variant Classification Sherloc (09022015). Collection method: clinical testing. Allele origin: germline.
Comment: This sequence change creates a premature translational stop signal (p.Gln445Asnfs*28) in the ATM gene. It is expected to result in an absent or disrupted protein product. Loss-of-function variants in ATM are known to be pathogenic (PMID: 23807571, 25614872). This variant is not present in population databases (gnomAD no frequency). This variant has not been reported in the literature in individuals affected with ATM-related conditions. ClinVar contains an entry for this variant (Variation ID: 407721). For these reasons, this variant has been classified as Pathogenic.

Myriad Genetics, Inc.
Classification: Pathogenic for Familial cancer of breast. Last evaluated: 2024-01-16. Review status: criteria provided, single submitter. Criteria: Myriad Autosomal Dominant, Autosomal Recessive and X-Linked Classification Criteria (2023). Collection method: clinical testing. Allele origin: unknown.
Comment: This variant is considered pathogenic. This variant creates a frameshift predicted to result in premature protein truncation.

Baylor Genetics
Classification: Likely pathogenic for Familial cancer of breast. Last evaluated: 2023-07-10. Review status: criteria provided, single submitter. Criteria: ACMG Guidelines, 2015. Collection method: clinical testing. Allele origin: unknown.

Centre for Mendelian Genomics, University Medical Centre Ljubljana
Classification: Pathogenic for Familial cancer of breast. Last evaluated: 2022-12-09. Review status: criteria provided, single submitter. Criteria: ACMG Guidelines, 2015. Collection method: research. Allele origin: germline. Affected: no.
Comment: PVS1, PM2_SUP, PM3_SUP

Literature cited by the submitters: PubMed 29922827 (cited by Ambry Genetics); PubMed 23807571 (cited by Labcorp Genetics (formerly Invitae), Labcorp); PubMed 25614872 (cited by Labcorp Genetics (formerly Invitae), Labcorp).